The following is an entry in ClinVar:

NM_000091.5(COL4A3):c.281G>A (p.Gly94Glu)

Genes: COL4A3 (collagen type IV alpha 3 chain; plus strand), MFF-DT (MFF divergent transcript; minus strand). Cytogenetic location: 2q36.3.
Variant type: single nucleotide variant.
Coding change: c.281G>A on transcript NM_000091.5 (MANE Select); coding-DNA position 281, G replaced by A.
Protein change: p.Gly94Glu; replaces glycine 94 with glutamic acid.
Molecular consequence: missense variant.
Genome position (GRCh38, 1-based): chr2:227,244,952, G>A. VCF-style: chr2-227244952-G-A. GRCh37 (hg19) VCF-style: chr2-228109668-G-A.
Other names: short protein forms G94E.
Identifiers: ClinVar variation 4817231 (VCV004817231.1).

ClinVar aggregate classification (germline): Likely pathogenic (1 of 4 stars; one submission).

Conditions:
Alport syndrome. Also called: Hemorrhagic familial nephritis; Hemorrhagic hereditary nephritis; Congenital hereditary hematuria. Identifiers: Orphanet 63, MedGen C1567741, MONDO:0018965.

gnomAD v4.1: 19 of 1,613,150 alleles (0.0012%); highest among the groups gnomAD compares: Non-Finnish European, 0.0016%; no homozygotes.

Submission:

Natera, Inc.
Classification: Likely pathogenic for Alport syndrome. Last evaluated: 2025-08-20. Review status: criteria provided, single submitter. Criteria: Natera Variant Classification Schema (03/2026). Collection method: clinical testing. Allele origin: germline.
Comment: The c.281G>A variant in COL4A3 is a missense variant predicted to cause substitution of glycine to glutamic acid at amino acid 94. This variant is rare in the general population with a frequency below the threshold expected for the associated phenotype(s). This variant is located in a functionally critical region of the protein. Computational prediction algorithms indicate this variant is likely to affect gene or protein function. Given the available evidence, this variant is classified as Likely Pathogenic.